The following is an entry in ClinVar:

ClinVar aggregate classification (germline): Uncertain significance (1 of 4 stars; one submission).

Allele frequency attached by ClinVar (database versions not stated): gnomAD exomes below 0.00001.
gnomAD v4.1: 1 of 1,582,116 alleles (0.000063%); highest among the groups gnomAD compares: South Asian, 0.0011%; no homozygotes.

Submission:

Labcorp Genetics (formerly Invitae), Labcorp
Classification: Uncertain significance. Last evaluated: 2022-04-25. Review status: criteria provided, single submitter. Criteria: Invitae Variant Classification Sherloc (09022015). Collection method: clinical testing. Allele origin: germline.
Comment: In summary, the available evidence is currently insufficient to determine the role of this variant in disease. Therefore, it has been classified as a Variant of Uncertain Significance. This sequence change replaces proline, which is neutral and non-polar, with arginine, which is basic and polar, at codon 459 of the PAX1 protein (p.Pro459Arg). This variant is not present in population databases (gnomAD no frequency). This variant has not been reported in the literature in individuals affected with PAX1-related conditions. Algorithms developed to predict the effect of missense changes on protein structure and function output the following: SIFT: "Deleterious"; PolyPhen-2: "Benign"; Align-GVGD: "Class C0". The arginine amino acid residue is found in multiple mammalian species, which suggests that this missense change does not adversely affect protein function.

NM_001257096.2(PAX1):c.*12C>G

Gene: PAX1 (paired box 1; plus strand). Cytogenetic location: 20p11.22.
Variant type: single nucleotide variant.
Coding change: c.*12C>G on transcript NM_001257096.2 (MANE Select); 12 bases downstream of the stop codon, C replaced by G.
Molecular consequence: 3 prime UTR variant. On other transcripts: missense variant (1).
Genome position (GRCh38, 1-based): chr20:21,714,574, C>G. VCF-style: chr20-21714574-C-G. GRCh37 (hg19) VCF-style: chr20-21695212-C-G.
Other names: c.1376C>G, p.Pro459Arg (NM_006192.5); short protein forms P459R.
Identifiers: ClinVar variation 1937142 (VCV001937142.5), dbSNP rs2514810896, ClinGen allele CA408500000.